The following is an entry in ClinVar:

ClinVar aggregate classification (germline): Uncertain significance. Review status: criteria provided, multiple submitters, no conflicts (2 of 4 stars). 2 submissions from 2 submitters: Uncertain significance (2). Last evaluated 2024-12-04.

Conditions:
Inborn genetic diseases. Identifiers: MedGen C0950123, MeSH D030342.

Allele frequency attached by ClinVar (database versions not stated): gnomAD exomes below 0.00001; gnomAD 0.00003 and 0.00004; TOPMed 0.00003.
gnomAD v4.1: 5 of 1,613,104 alleles (0.00031%); highest among the groups gnomAD compares: African/African-American, 0.0067%; no homozygotes.

Submissions (2):

Ambry Genetics
Classification: Uncertain significance for Inborn genetic diseases. Last evaluated: 2024-12-04. Review status: criteria provided, single submitter. Criteria: Ambry Variant Classification Scheme 2023. Collection method: clinical testing. Allele origin: germline.

Labcorp Genetics (formerly Invitae), Labcorp
Classification: Uncertain significance. Last evaluated: 2023-07-14. Review status: criteria provided, single submitter. Criteria: Invitae Variant Classification Sherloc (09022015). Collection method: clinical testing. Allele origin: germline.
Comment: In summary, the available evidence is currently insufficient to determine the role of this variant in disease. Therefore, it has been classified as a Variant of Uncertain Significance. An algorithm developed to predict the effect of missense changes on protein structure and function (PolyPhen-2) suggests that this variant is likely to be disruptive. ClinVar contains an entry for this variant (Variation ID: 1495762). This variant has not been reported in the literature in individuals affected with ADGRV1-related conditions. This variant is present in population databases (no rsID available, gnomAD 0.008%). This sequence change replaces isoleucine, which is neutral and non-polar, with methionine, which is neutral and non-polar, at codon 3516 of the ADGRV1 protein (p.Ile3516Met).

NM_032119.4(ADGRV1):c.10548A>G (p.Ile3516Met)

Gene: ADGRV1 (adhesion G protein-coupled receptor V1; plus strand). Cytogenetic location: 5q14.3.
Variant type: single nucleotide variant.
Coding change: c.10548A>G on transcript NM_032119.4 (MANE Select); coding-DNA position 10548, A replaced by G.
Protein change: p.Ile3516Met; replaces isoleucine 3516 with methionine.
Molecular consequence: missense variant. On other transcripts: non-coding transcript variant (1).
Genome position (GRCh38, 1-based): chr5:90,729,763, A>G. VCF-style: chr5-90729763-A-G. GRCh37 (hg19) VCF-style: chr5-90025580-A-G.
Other names: c.10548A>G (NM_032119.3); short protein forms I3516M.
Identifiers: ClinVar variation 1495762 (VCV001495762.8), dbSNP rs1038557125, ClinGen allele CA122810146.